The following is an entry in ClinVar:

ClinVar aggregate classification (germline): Uncertain significance. Review status: criteria provided, multiple submitters, no conflicts (2 of 4 stars). 3 submissions from 3 submitters: Uncertain significance (3). Last evaluated 2025-05-27.

Conditions:
Cardiovascular phenotype. Identifiers: MedGen CN230736.
Arrhythmogenic right ventricular dysplasia 12. Also called: ARRHYTHMOGENIC RIGHT VENTRICULAR DYSPLASIA, FAMILIAL, 12. Identifiers: MedGen C1969081, MONDO:0012684, OMIM 611528.
Naxos disease (NXD). Also called: KERATOSIS PALMOPLANTARIS WITH ARRHYTHMOGENIC CARDIOMYOPATHY; MAL DE NAXOS; PALMOPLANTAR KERATODERMA WITH ARRHYTHMOGENIC RIGHT VENTRICULAR CARDIOMYOPATHY AND WOOLLY HAIR; WOOLLY HAIR, PALMOPLANTAR KERATODERMA, AND CARDIAC ABNORMALITIES; CARDIOMYOPATHY, ARRHYTHMOGENIC RIGHT VENTRICULAR, WITH SKIN, HAIR, AND NAIL ABNORMALITIES. Identifiers: Orphanet 34217, MedGen C1832600, MONDO:0011017, OMIM 601214.

Allele frequency attached by ClinVar (database versions not stated): gnomAD exomes below 0.00001; TOPMed below 0.00001; gnomAD 0.00001.
gnomAD v4.1: 5 of 1,614,072 alleles (0.00031%); highest among the groups gnomAD compares: Non-Finnish European, 0.00042%; no homozygotes.

Submissions (3):

Ambry Genetics
Classification: Uncertain significance for Cardiovascular phenotype. Last evaluated: 2025-05-27. Review status: criteria provided, single submitter. Criteria: Ambry Variant Classification Scheme 2023. Collection method: clinical testing. Allele origin: germline.
Comment: The p.F650L variant (also known as c.1948T>C), located in coding exon 11 of the JUP gene, results from a T to C substitution at nucleotide position 1948. The phenylalanine at codon 650 is replaced by leucine, an amino acid with highly similar properties. This amino acid position is conserved. In addition, the in silico prediction for this alteration is inconclusive. Based on the available evidence, the clinical significance of this variant remains unclear.

Labcorp Genetics (formerly Invitae), Labcorp
Classification: Uncertain significance for Arrhythmogenic right ventricular dysplasia 12; Naxos disease. Last evaluated: 2023-05-23. Review status: criteria provided, single submitter. Criteria: Invitae Variant Classification Sherloc (09022015). Collection method: clinical testing. Allele origin: germline.
Comment: This sequence change replaces phenylalanine, which is neutral and non-polar, with leucine, which is neutral and non-polar, at codon 650 of the JUP protein (p.Phe650Leu). This variant is not present in population databases (gnomAD no frequency). This variant has not been reported in the literature in individuals affected with JUP-related conditions. In summary, the available evidence is currently insufficient to determine the role of this variant in disease. Therefore, it has been classified as a Variant of Uncertain Significance. An algorithm developed to predict the effect of missense changes on protein structure and function (PolyPhen-2) suggests that this variant is likely to be tolerated. ClinVar contains an entry for this variant (Variation ID: 1414235).

Fulgent Genetics
Classification: Uncertain significance for Naxos disease; Arrhythmogenic right ventricular dysplasia 12. Last evaluated: 2021-08-31. Review status: criteria provided, single submitter. Criteria: ACMG Guidelines, 2015. Collection method: clinical testing. Allele origin: unknown.

NM_002230.4(JUP):c.1948T>C (p.Phe650Leu)

Gene: JUP (junction plakoglobin; minus strand). Cytogenetic location: 17q21.2.
Variant type: single nucleotide variant.
Coding change: c.1948T>C on transcript NM_002230.4 (MANE Select); coding-DNA position 1948, T replaced by C.
Protein change: p.Phe650Leu; replaces phenylalanine 650 with leucine.
Molecular consequence: missense variant.
Genome position (GRCh38, 1-based): chr17:41,757,513, A>G on the plus strand (T>C on the coding strand, the complement: JUP is on the minus strand). VCF-style: chr17-41757513-A-G. GRCh37 (hg19) VCF-style: chr17-39913765-A-G.
Other names: c.1948T>C, p.Phe650Leu (NM_001352773.2, NM_001352774.2, NM_001352775.2 and 3 more transcripts); c.1948T>C (NM_002230.2); short protein forms F650L.
Identifiers: ClinVar variation 1414235 (VCV001414235.10), dbSNP rs1208908708, ClinGen allele CA399491948.
Genomic context (GRCh38, chr17:41,757,513, plus strand): 5'-TGGTGAGCTCCACGGACACGCGCTTCCGGTAGTCTGGGTTCTTGTCCTCGGAGATGCGGA[A>G]CAGGACGGCAGCAGCGTAGGTGGCTGAGCAGAGAGGAAAGGAAAAGCCAGGTTAAACGTC-3'
Protein context (NP_002221.1, residues 640-660): GTATYAAAVL[Phe650Leu]RISEDKNPDY